The following is an entry in ClinVar:

NM_001743.6(CALM2):c.4-1666C>T

Gene: CALM2 (calmodulin 2; minus strand). Cytogenetic location: 2p21.
Variant type: single nucleotide variant.
Coding change: c.4-1666C>T on transcript NM_001743.6 (MANE Select); 1666 bases into the intron before coding-DNA position 4, C replaced by T.
Molecular consequence: intron variant. On other transcripts: missense variant (1), 5 prime UTR variant (1).
Genome position (GRCh38, 1-based): chr2:47,172,430, G>A on the plus strand (C>T on the coding strand, the complement: CALM2 is on the minus strand). VCF-style: chr2-47172430-G-A. GRCh37 (hg19) VCF-style: chr2-47399569-G-A.
Other names: c.131C>T, p.Ala44Val (NM_001305624.1); c.-1771C>T (NM_001305626.1); c.-105-1666C>T (NM_001305625.2); short protein forms A44V.
Identifiers: ClinVar variation 3054677 (VCV003054677.2), dbSNP rs780054532, ClinGen allele CA1648646.

ClinVar aggregate classification (germline): Likely benign (0 of 4 stars; one submission).

Conditions:
CALM2-related disorder. Also called: CALM2-related condition.

Allele frequency attached by ClinVar (database versions not stated): gnomAD 0.00002; gnomAD exomes 0.00009; ExAC 0.00031.
gnomAD v4.1: 69 of 847,518 alleles (0.0081%); highest among the groups gnomAD compares: South Asian, 0.09%; 1 homozygote.

Submission:

PreventionGenetics, part of Exact Sciences
Classification: Likely benign for CALM2-related condition. Last evaluated: 2022-06-02. Review status: no assertion criteria provided. Collection method: clinical testing. Allele origin: germline.
Comment: This variant is classified as likely benign based on ACMG/AMP sequence variant interpretation guidelines (Richards et al. 2015 PMID: 25741868, with internal and published modifications).